The following is an entry in ClinVar:

NM_001271.4(CHD2):c.2434A>G (p.Ile812Val)

Gene: CHD2 (chromodomain helicase DNA binding protein 2; plus strand). Cytogenetic location: 15q26.1.
Variant type: single nucleotide variant.
Coding change: c.2434A>G on transcript NM_001271.4 (MANE Select); coding-DNA position 2434, A replaced by G.
Protein change: p.Ile812Val; replaces isoleucine 812 with valine.
Molecular consequence: missense variant.
Genome position (GRCh38, 1-based): chr15:92,972,346, A>G. VCF-style: chr15-92972346-A-G. GRCh37 (hg19) VCF-style: chr15-93515576-A-G.
Other names: short protein forms I812V.
Identifiers: ClinVar variation 1461106 (VCV001461106.8), dbSNP rs2141836222, ClinGen allele CA393893290.
Genomic context (GRCh38, chr15:92,972,346, plus strand): 5'-AAGTTGATTTTATTAGACAAACTGTTGACAAGACTTCGAGAAAGGGGGAATCGAGTGCTT[A>G]TCTTCTCTCAGATGGTGAGAATGTTGGATATCCTGGCTGAATACCTAACTATTAAACACT-3'
Protein context (NP_001262.3, residues 802-822): RLRERGNRVL[Ile812Val]FSQMVRMLDI

ClinVar aggregate classification (germline): Uncertain significance (1 of 4 stars; one submission).

Conditions:
Developmental and epileptic encephalopathy 94 (DEE94). Also called: Epileptic encephalopathy, childhood-onset; CHD2-Related Neurodevelopmental Disorders. Identifiers: Orphanet 1942, Orphanet 2382, MedGen C3809278, MONDO:0014150, OMIM 615369.

Allele frequency attached by ClinVar (database versions not stated): gnomAD exomes below 0.00001.
gnomAD v4.1: 1 of 1,612,710 alleles (0.000062%); highest among the groups gnomAD compares: Non-Finnish European, 0.000085%; no homozygotes.

Submission:

Labcorp Genetics (formerly Invitae), Labcorp
Classification: Uncertain significance for Developmental and epileptic encephalopathy 94. Last evaluated: 2021-04-24. Review status: criteria provided, single submitter. Criteria: Invitae Variant Classification Sherloc (09022015). Collection method: clinical testing. Allele origin: germline.
Comment: In summary, the available evidence is currently insufficient to determine the role of this variant in disease. Therefore, it has been classified as a Variant of Uncertain Significance. Advanced modeling of protein sequence and biophysical properties (such as structural, functional, and spatial information, amino acid conservation, physicochemical variation, residue mobility, and thermodynamic stability) performed at Invitae indicates that this missense variant is not expected to disrupt CHD2 protein function. This variant has been observed in individual(s) with clinical features of CHD2-related conditions (Invitae). This variant is not present in population databases (ExAC no frequency). This sequence change replaces isoleucine with valine at codon 812 of the CHD2 protein (p.Ile812Val). The isoleucine residue is highly conserved and there is a small physicochemical difference between isoleucine and valine.